The following is an entry in ClinVar:

NC_000023.10:g.(?_153640161)_(153649363_?)dup

Genes: DNASE1L1 (deoxyribonuclease 1 like 1; minus strand), TAFAZZIN (tafazzin, phospholipid-lysophospholipid transacylase; plus strand). Cytogenetic location: Xq28.
Variant type: Duplication.
Identifiers: ClinVar variation 652973 (VCV000652973.2).

ClinVar aggregate classification (germline): Uncertain significance (1 of 4 stars; one submission).

Conditions:
3-Methylglutaconic aciduria type 2 (BTHS). Also called: CARDIOSKELETAL MYOPATHY WITH NEUTROPENIA AND ABNORMAL MITOCHONDRIA; Barth syndrome. Identifiers: Orphanet 111, MedGen C0574083, MONDO:0010543, OMIM 302060.

Submission:

Labcorp Genetics (formerly Invitae), Labcorp
Classification: Uncertain significance for 3-Methylglutaconic aciduria type 2. Last evaluated: 2019-11-19. Review status: criteria provided, single submitter. Criteria: Invitae Variant Classification Sherloc (09022015). Collection method: clinical testing. Allele origin: germline.
Comment: This variant results in a copy number gain of the genomic region encompassing the full coding sequence of the TAZ gene. The boundaries of this event are unknown as they extend beyond the assayed region for this gene and therefore may encompass additional genes. As the precise location of this event is unknown, it may be in tandem or it may be located elsewhere in the genome. This variant has not been reported in the literature in individuals with TAZ-related conditions. In summary, the available evidence is currently insufficient to determine the role of this variant in disease. Therefore, it has been classified as a Variant of Uncertain Significance.